The following is an entry in ClinVar:

ClinVar aggregate classification (germline): Likely benign. Review status: criteria provided, multiple submitters, no conflicts (2 of 4 stars). 2 submissions from 2 submitters: Likely benign (2). Last evaluated 2026-01-16.

Conditions:
Menkes kinky-hair syndrome (MNK). Also called: Copper transport disease; Menkes Disease; Classic Menkes Disease. Identifiers: Orphanet 565, MedGen C0022716, MONDO:0010651, OMIM 309400.
Cutis laxa, X-linked (OHS). Also called: Occipital horn syndrome; EDS IX. Identifiers: Orphanet 198, MedGen C0268353, MONDO:0010572, OMIM 304150.
X-linked distal spinal muscular atrophy type 3. Also called: ATP7A-Related Distal Motor Neuropathy; SPINAL MUSCULAR ATROPHY, DISTAL, X-LINKED RECESSIVE; NEURONOPATHY, DISTAL HEREDITARY MOTOR, X-LINKED; NEUROPATHY, DISTAL HEREDITARY MOTOR, X-LINKED. Identifiers: Orphanet 139557, MedGen C1845359, MONDO:0010338, OMIM 300489.

Allele frequency attached by ClinVar (database versions not stated): gnomAD 0.00001; TOPMed 0.00002; gnomAD exomes 0.00004; ExAC 0.00005.

Submissions (2):

Labcorp Genetics (formerly Invitae), Labcorp
Classification: Likely benign for X-linked distal spinal muscular atrophy type 3; Cutis laxa, X-linked; Menkes kinky-hair syndrome. Last evaluated: 2026-01-16. Review status: criteria provided, single submitter. Criteria: Invitae Variant Classification Sherloc (09022015). Collection method: clinical testing. Allele origin: germline.

Women's Health and Genetics/Laboratory Corporation of America, LabCorp
Classification: Likely benign. Last evaluated: 2022-05-11. Review status: criteria provided, single submitter. Criteria: LabCorp Variant Classification Summary - May 2015. Collection method: clinical testing. Allele origin: germline.
Comment: Variant summary: ATP7A c.1289C>T (p.Thr430Met) results in a non-conservative amino acid change located in the 4th heavy metal-associated (copper ion-binding) domain (IPR006122) of the encoded protein sequence. Four of four in-silico tools predict a damaging effect of the variant on protein function. The variant allele was found at a frequency of 4.9e-05 in 203617 control chromosomes, including 7 hemizygotes (gnomAD v2.1). Though this frequency is not higher than the estimated maximum expected for a pathogenic variant in ATP7A causing Menkes Kinky-Hair Syndrome (0.0035), the presence of multiple hemizygous occurrences suggests that the variant could be benign. To our knowledge, no occurrence of c.1289C>T in individuals affected with Menkes Kinky-Hair Syndrome and no experimental evidence demonstrating its impact on protein function have been reported. One clinical diagnostic laboratory has submitted clinical-significance assessments for this variant to ClinVar after 2014 without evidence for independent evaluation, and classified the variant as likely benign. Based on the evidence outlined above, the variant was classified as likely benign.

NM_000052.7(ATP7A):c.1289C>T (p.Thr430Met)

Gene: ATP7A (ATPase copper transporting alpha; plus strand). Cytogenetic location: Xq21.1.
Variant type: single nucleotide variant.
Coding change: c.1289C>T on transcript NM_000052.7 (MANE Select); coding-DNA position 1289, C replaced by T.
Protein change: p.Thr430Met; replaces threonine 430 with methionine.
Molecular consequence: missense variant.
Genome position (GRCh38, 1-based): chrX:77,989,911, C>T. VCF-style: chrX-77989911-C-T. GRCh37 (hg19) VCF-style: chrX-77245407-C-T.
Other names: c.1289C>T, p.Thr430Met (NM_001282224.2); short protein forms T430M.
Identifiers: ClinVar variation 1595004 (VCV001595004.9), dbSNP rs782018636, ClinGen allele CA10459020.